The following is an entry in ClinVar:

NM_133433.4(NIPBL):c.4907G>T (p.Arg1636Leu)

Gene: NIPBL (NIPBL cohesin loading factor; plus strand). Cytogenetic location: 5p13.2.
Variant type: single nucleotide variant.
Coding change: c.4907G>T on transcript NM_133433.4 (MANE Select); coding-DNA position 4907, G replaced by T.
Protein change: p.Arg1636Leu; replaces arginine 1636 with leucine.
Molecular consequence: missense variant.
Genome position (GRCh38, 1-based): chr5:37,017,149, G>T. VCF-style: chr5-37017149-G-T. GRCh37 (hg19) VCF-style: chr5-37017251-G-T.
Other names: c.4907G>T, p.Arg1636Leu (NM_015384.5); short protein forms R1636L.
Identifiers: ClinVar variation 283888 (VCV000283888.10), dbSNP rs886042731, ClinGen allele CA10604616.

ClinVar aggregate classification (germline): Uncertain significance. Review status: criteria provided, multiple submitters, no conflicts (2 of 4 stars). 3 submissions from 3 submitters: Uncertain significance (3). Last evaluated 2023-12-29.

Conditions:
Cornelia de Lange syndrome 1 (CDLS1). Also called: Brachmann de Lange syndrome; TYPUS DEGENERATIVUS AMSTELODAMENSIS; NIPBL-Related Cornelia de Lange Syndrome. Identifiers: Orphanet 199, MedGen C4551851, MONDO:0007387, OMIM 122470.

Allele frequency attached by ClinVar (database versions not stated): gnomAD 0.00001; TOPMed 0.00001; gnomAD exomes 0.00002.
gnomAD v4.1: 41 of 1,610,294 alleles (0.0025%); highest among the groups gnomAD compares: Non-Finnish European, 0.0034%; no homozygotes.

Submissions (3):

Fulgent Genetics
Classification: Uncertain significance for Cornelia de Lange syndrome 1. Last evaluated: 2023-12-29. Review status: criteria provided, single submitter. Criteria: ACMG Guidelines, 2015. Collection method: clinical testing. Allele origin: germline.

Labcorp Genetics (formerly Invitae), Labcorp
Classification: Uncertain significance for Cornelia de Lange syndrome 1. Last evaluated: 2023-11-28. Review status: criteria provided, single submitter. Criteria: Invitae Variant Classification Sherloc (09022015). Collection method: clinical testing. Allele origin: germline.
Comment: This sequence change replaces arginine, which is basic and polar, with leucine, which is neutral and non-polar, at codon 1636 of the NIPBL protein (p.Arg1636Leu). This variant is present in population databases (no rsID available, gnomAD 0.01%). This variant has not been reported in the literature in individuals affected with NIPBL-related conditions. ClinVar contains an entry for this variant (Variation ID: 283888). Advanced modeling of protein sequence and biophysical properties (such as structural, functional, and spatial information, amino acid conservation, physicochemical variation, residue mobility, and thermodynamic stability) has been performed at Invitae for this missense variant, however the output from this modeling did not meet the statistical confidence thresholds required to predict the impact of this variant on NIPBL protein function. In summary, the available evidence is currently insufficient to determine the role of this variant in disease. Therefore, it has been classified as a Variant of Uncertain Significance.

Eurofins Ntd Llc (ga)
Classification: Uncertain significance. Last evaluated: 2015-10-19. Review status: criteria provided, single submitter. Criteria: EGL Classification Definitions 2015. Collection method: clinical testing. Allele origin: germline. Observed: 1 variant allele, 1 heterozygote.